The following is an entry in ClinVar:

ClinVar aggregate classification (germline): Uncertain significance (1 of 4 stars; one submission).

Allele frequency attached by ClinVar (database versions not stated): gnomAD exomes below 0.00001.
gnomAD v4.1: 1 of 1,612,776 alleles (0.000062%); highest among the groups gnomAD compares: Non-Finnish European, 0.000085%; no homozygotes.

Submission:

Labcorp Genetics (formerly Invitae), Labcorp
Classification: Uncertain significance. Last evaluated: 2023-12-11. Review status: criteria provided, single submitter. Criteria: Invitae Variant Classification Sherloc (09022015). Collection method: clinical testing. Allele origin: germline.
Comment: This sequence change replaces threonine, which is neutral and polar, with alanine, which is neutral and non-polar, at codon 481 of the HELLS protein (p.Thr481Ala). This variant is not present in population databases (gnomAD no frequency). This variant has not been reported in the literature in individuals affected with HELLS-related conditions. ClinVar contains an entry for this variant (Variation ID: 1501891). An algorithm developed to predict the effect of missense changes on protein structure and function (PolyPhen-2) suggests that this variant is likely to be tolerated. In summary, the available evidence is currently insufficient to determine the role of this variant in disease. Therefore, it has been classified as a Variant of Uncertain Significance.

NM_018063.5(HELLS):c.1441A>G (p.Thr481Ala)

Gene: HELLS (helicase, lymphoid specific; plus strand). Cytogenetic location: 10q23.33.
Variant type: single nucleotide variant.
Coding change: c.1441A>G on transcript NM_018063.5 (MANE Select); coding-DNA position 1441, A replaced by G.
Protein change: p.Thr481Ala; replaces threonine 481 with alanine.
Molecular consequence: missense variant.
Genome position (GRCh38, 1-based): chr10:94,588,343, A>G. VCF-style: chr10-94588343-A-G. GRCh37 (hg19) VCF-style: chr10-96348100-A-G.
Other names: c.1579A>G, p.Thr527Ala (NM_001289067.2); c.1393A>G, p.Thr465Ala (NM_001289068.2); c.1345A>G, p.Thr449Ala (NM_001289069.2); c.1147A>G, p.Thr383Ala (NM_001289070.2); c.1069A>G, p.Thr357Ala (NM_001289071.2); c.1051A>G, p.Thr351Ala (NM_001289072.2); c.1027A>G, p.Thr343Ala (NM_001289073.2); c.358A>G, p.Thr120Ala (NM_001289074.2); and 1 more; short protein forms T343A, T383A, T465A, T449A, T120A, T351A, T527A, T75A.
Identifiers: ClinVar variation 1501891 (VCV001501891.6), dbSNP rs76480828, ClinGen allele CA377664400.